The following is an entry in ClinVar:

ClinVar aggregate classification (germline): Uncertain significance (1 of 4 stars; one submission).

Submission:

Labcorp Genetics (formerly Invitae), Labcorp
Classification: Uncertain significance. Last evaluated: 2021-12-28. Review status: criteria provided, single submitter. Criteria: Invitae Variant Classification Sherloc (09022015). Collection method: clinical testing. Allele origin: germline.
Comment: This sequence change replaces glutamine, which is neutral and polar, with leucine, which is neutral and non-polar, at codon 1725 of the RP1 protein (p.Gln1725Leu). Information on the frequency of this variant in the gnomAD database is not available, as this variant may be reported differently in the database. This variant has not been reported in the literature in individuals affected with RP1-related conditions. Algorithms developed to predict the effect of missense changes on protein structure and function are either unavailable or do not agree on the potential impact of this missense change (SIFT: "Not Available"; PolyPhen-2: "Benign"; Align-GVGD: "Not Available"). In summary, the available evidence is currently insufficient to determine the role of this variant in disease. Therefore, it has been classified as a Variant of Uncertain Significance.

NM_006269.2(RP1):c.5174_5175delinsTG (p.Gln1725Leu)

Genes: RP1 (RP1 axonemal microtubule associated; plus strand), LOC126860392 (CDK7 strongly-dependent group 2 enhancer GRCh37_chr8:55541319-55542518; plus strand). Cytogenetic location: 8q12.1.
Variant type: Indel.
Coding change: c.5174_5175delinsTG on transcript NM_006269.2 (MANE Select); coding-DNA positions 5174 to 5175, AA replaced by TG.
Protein change: p.Gln1725Leu; replaces glutamine 1725 with leucine.
Molecular consequence: missense variant. On other transcripts: intron variant (1).
Genome position (GRCh38, 1-based): chr8:54,629,056-54,629,057, AA replaced by TG. VCF-style: chr8-54629056-AA-TG. GRCh37 (hg19) VCF-style: chr8-55541616-AA-TG.
Other names: c.787+6768_787+6769delinsTG (NM_001375654.1); short protein forms Q1725L.
Identifiers: ClinVar variation 2041252 (VCV002041252.4), dbSNP rs2536588005, ClinGen allele CA2580078418.